The following is an entry in ClinVar:

NM_001127644.2(GABRA1):c.256-201A>T

Gene: GABRA1 (gamma-aminobutyric acid type A receptor subunit alpha1; plus strand). Cytogenetic location: 5q34.
Variant type: single nucleotide variant.
Coding change: c.256-201A>T on transcript NM_001127644.2 (MANE Select); 201 bases into the intron before coding-DNA position 256, A replaced by T.
Molecular consequence: intron variant.
Genome position (GRCh38, 1-based): chr5:161,872,916, A>T. VCF-style: chr5-161872916-A-T. GRCh37 (hg19) VCF-style: chr5-161299922-A-T.
Other names: c.256-201A>T (NM_000806.5, NM_001127643.2, NM_001127645.2 and 1 more transcripts).
Identifiers: ClinVar variation 680273 (VCV000680273.1), dbSNP rs72819308, ClinGen allele CA12014896.

ClinVar aggregate classification (germline): Benign (1 of 4 stars; one submission).

Allele frequency attached by ClinVar (database versions not stated): 1000 Genomes Project 30x 0.17286; 1000 Genomes Project 0.17592; TOPMed 0.18027; gnomAD 0.19071 and 0.19267; gnomAD exomes 0.22783.
gnomAD v4.1: 122,667 of 561,286 alleles (22%); highest among the groups gnomAD compares: Middle Eastern, 27%; 14,204 homozygotes.

Submission:

GeneDx
Classification: Benign. Last evaluated: 2018-06-19. Review status: criteria provided, single submitter. Criteria: GeneDx Variant Classification (06012015). Collection method: clinical testing. Allele origin: germline. Affected: yes.
Comment: This variant is considered likely benign or benign based on one or more of the following criteria: it is a conservative change, it occurs at a poorly conserved position in the protein, it is predicted to be benign by multiple in silico algorithms, and/or has population frequency not consistent with disease.